The following is an entry in ClinVar:

ClinVar aggregate classification (germline): Uncertain significance (1 of 4 stars; one submission).

Conditions:
Myofibrillar myopathy 5. Also called: FILAMINOPATHY, AUTOSOMAL DOMINANT; Filaminopathy (type). Identifiers: Orphanet 171445, MedGen C1836050, MONDO:0012289, OMIM 609524.
Distal myopathy with posterior leg and anterior hand involvement. Also called: WILLIAMS DISTAL MYOPATHY. Identifiers: Orphanet 63273, MedGen C3279722, MONDO:0013550, OMIM 614065.
Hypertrophic cardiomyopathy 26. Also called: Cardiomyopathy, familial hypertrophic, 26. Identifiers: Orphanet 75249, MedGen C4310749, MONDO:0014883, OMIM 617047.

Submission:

Labcorp Genetics (formerly Invitae), Labcorp
Classification: Uncertain significance for Distal myopathy with posterior leg and anterior hand involvement; Myofibrillar myopathy 5; Hypertrophic cardiomyopathy 26. Last evaluated: 2025-01-31. Review status: criteria provided, single submitter. Criteria: Invitae Variant Classification Sherloc (09022015). Collection method: clinical testing. Allele origin: germline.
Comment: This sequence change replaces glycine, which is neutral and non-polar, with cysteine, which is neutral and slightly polar, at codon 1171 of the FLNC protein (p.Gly1171Cys). This variant is not present in population databases (gnomAD no frequency). This variant has not been reported in the literature in individuals affected with FLNC-related conditions. ClinVar contains an entry for this variant (Variation ID: 665435). Invitae Evidence Modeling of protein sequence and biophysical properties (such as structural, functional, and spatial information, amino acid conservation, physicochemical variation, residue mobility, and thermodynamic stability) has been performed for this missense variant. However, the output from this modeling did not meet the statistical confidence thresholds required to predict the impact of this variant on FLNC protein function. In summary, the available evidence is currently insufficient to determine the role of this variant in disease. Therefore, it has been classified as a Variant of Uncertain Significance.

NM_001458.5(FLNC):c.3511G>T (p.Gly1171Cys)

Gene: FLNC (filamin C; plus strand). Cytogenetic location: 7q32.1.
Variant type: single nucleotide variant.
Coding change: c.3511G>T on transcript NM_001458.5 (MANE Select); coding-DNA position 3511, G replaced by T.
Protein change: p.Gly1171Cys; replaces glycine 1171 with cysteine.
Molecular consequence: missense variant.
Genome position (GRCh38, 1-based): chr7:128,844,976, G>T. VCF-style: chr7-128844976-G-T. GRCh37 (hg19) VCF-style: chr7-128485030-G-T.
Other names: c.3511G>T, p.Gly1171Cys (NM_001127487.2); short protein forms G1171C.
Identifiers: ClinVar variation 665435 (VCV000665435.9), dbSNP rs769490872, ClinGen allele CA369197132.
Genomic context (GRCh38, chr7:128,844,976, plus strand): 5'-CCTGTGTTTGACCCGAGCAAGGTGCGGGCCAGTGGACCGGGCCTGGAGCGCGGCAAGGTC[G>T]GTGAGGCAGCCACCTTCACTGTGGACTGCTCAGAGGCAGGCGAGGCGGAGCTGACCATTG-3'
Protein context (NP_001449.3, residues 1161-1181): SGPGLERGKV[Gly1171Cys]EAATFTVDCS